The following is an entry in ClinVar:

NM_000237.3(LPL):c.487C>T (p.His163Tyr)

Gene: LPL (lipoprotein lipase; plus strand). Cytogenetic location: 8p21.3.
Variant type: single nucleotide variant.
Coding change: c.487C>T on transcript NM_000237.3 (MANE Select); coding-DNA position 487, C replaced by T.
Protein change: p.His163Tyr; replaces histidine 163 with tyrosine.
Molecular consequence: missense variant.
Genome position (GRCh38, 1-based): chr8:19,953,367, C>T. VCF-style: chr8-19953367-C-T. GRCh37 (hg19) VCF-style: chr8-19810878-C-T.
Other names: short protein forms H163Y.
Identifiers: ClinVar variation 1030689 (VCV001030689.1), dbSNP rs2069951773, ClinGen allele CA370468126.

ClinVar aggregate classification (germline): Uncertain significance (1 of 4 stars; one submission).

Conditions:
Hyperlipoproteinemia, type I. Also called: Hyperlipoproteinemia type 1; Hyperchylomicro-nemia familial; Familial chylomicronemia; Hyperlipemia idiopathic Burger-Grutz type; Familial hyperlipo-proteinemia type 1; Hyperlipemia essential familial. Identifiers: Orphanet 309015, Orphanet 444490, MedGen C0023817, MONDO:0009387, OMIM 238600. Disease mechanism: loss of function.

Submission:

Baylor Genetics
Classification: Uncertain significance for Hyperlipoproteinemia, type I. Last evaluated: 2019-07-16. Review status: criteria provided, single submitter. Criteria: ACMG Guidelines, 2015. Collection method: clinical testing. Allele origin: unknown. Affected: yes.
Comment: This variant was determined to be of uncertain significance according to ACMG Guidelines, 2015 [PMID:25741868].